The following is an entry in ClinVar:

ClinVar aggregate classification (germline): Uncertain significance (1 of 4 stars; one submission).

Allele frequency attached by ClinVar (database versions not stated): ExAC 0.00001; gnomAD 0.00001; gnomAD exomes 0.00001; TOPMed 0.00001.
gnomAD v4.1: 17 of 1,613,930 alleles (0.0011%); highest among the groups gnomAD compares: Middle Eastern, 0.016%; no homozygotes.

Submission:

Labcorp Genetics (formerly Invitae), Labcorp
Classification: Uncertain significance. Last evaluated: 2022-06-08. Review status: criteria provided, single submitter. Criteria: Invitae Variant Classification Sherloc (09022015). Collection method: clinical testing. Allele origin: germline.
Comment: This sequence change replaces leucine, which is neutral and non-polar, with phenylalanine, which is neutral and non-polar, at codon 128 of the FAT4 protein (p.Leu128Phe). This variant is present in population databases (rs777858835, gnomAD 0.003%). This variant has not been reported in the literature in individuals affected with FAT4-related conditions. Advanced modeling of protein sequence and biophysical properties (such as structural, functional, and spatial information, amino acid conservation, physicochemical variation, residue mobility, and thermodynamic stability) performed at Invitae indicates that this missense variant is not expected to disrupt FAT4 protein function. In summary, the available evidence is currently insufficient to determine the role of this variant in disease. Therefore, it has been classified as a Variant of Uncertain Significance.

NM_001291303.3(FAT4):c.382C>T (p.Leu128Phe)

Gene: FAT4 (FAT atypical cadherin 4; plus strand). Cytogenetic location: 4q28.1.
Variant type: single nucleotide variant.
Coding change: c.382C>T on transcript NM_001291303.3 (MANE Select); coding-DNA position 382, C replaced by T.
Protein change: p.Leu128Phe; replaces leucine 128 with phenylalanine.
Molecular consequence: missense variant.
Genome position (GRCh38, 1-based): chr4:125,316,793, C>T. VCF-style: chr4-125316793-C-T. GRCh37 (hg19) VCF-style: chr4-126237948-C-T.
Other names: c.382C>T, p.Leu128Phe (NM_001291285.3, NM_024582.6); short protein forms L128F.
Identifiers: ClinVar variation 1939213 (VCV001939213.2), dbSNP rs777858835, ClinGen allele CA3071799.